The following is an entry in ClinVar:

ClinVar aggregate classification (germline): Likely pathogenic (1 of 4 stars; one submission).

Conditions:
Bifunctional peroxisomal enzyme deficiency (DBIF). Also called: DBP DEFICIENCY; PBFE DEFICIENCY; D-bifunctional protein deficiency. Identifiers: Orphanet 300, MedGen C0342870, MONDO:0009855, OMIM 261515. Disease mechanism: loss of function.

gnomAD v4.1: 1 of 1,609,600 alleles (0.000062%); highest among the groups gnomAD compares: Non-Finnish European, 0.000085%; no homozygotes.

Submission:

Gut Microbiota and Metabolic Research Center, Institute of Pediatric Infection, Immunity and Critical Care Medicine, Shanghai Children's Hospital, School of Medicine, Shanghai Jiao Tong University
Classification: Likely pathogenic for Bifunctional peroxisomal enzyme deficiency. Last evaluated: 2025-07-17. Review status: criteria provided, single submitter. Criteria: ACMG Guidelines, 2015. Collection method: clinical testing. Allele origin: maternal. Inheritance: Autosomal recessive inheritance. Affected: yes.
Comment: PVS1, PM2

NM_000414.4(HSD17B4):c.1193C>G (p.Ser398Ter)

Gene: HSD17B4 (hydroxysteroid 17-beta dehydrogenase 4; plus strand). Cytogenetic location: 5q23.1.
Variant type: single nucleotide variant.
Coding change: c.1193C>G on transcript NM_000414.4 (MANE Select); coding-DNA position 1193, C replaced by G.
Protein change: p.Ser398Ter; replaces serine 398 with a stop codon.
Molecular consequence: nonsense. On other transcripts: non-coding transcript variant (2).
Genome position (GRCh38, 1-based): chr5:119,499,537, C>G. VCF-style: chr5-119499537-C-G. GRCh37 (hg19) VCF-style: chr5-118835232-C-G.
Other names: c.1268C>G, p.Ser423Ter (NM_001199291.3); c.1139C>G, p.Ser380Ter (NM_001199292.2); c.1121C>G, p.Ser374Ter (NM_001292027.2); c.773C>G, p.Ser258Ter (NM_001292028.2); c.1184C>G, p.Ser395Ter (NM_001374497.1); c.1193C>G, p.Ser398Ter (NM_001374498.1); c.866C>G, p.Ser289Ter (NM_001374499.1); c.752C>G, p.Ser251Ter (NM_001374500.1); and 1 more; short protein forms S251*, S258*, S261*, S289*, S374*, S380*, S395*, S398*.
Identifiers: ClinVar variation 4071552 (VCV004071552.1).